The following is an entry in ClinVar:

NM_005458.8(GABBR2):c.166C>A (p.Leu56Ile)

Gene: GABBR2 (gamma-aminobutyric acid type B receptor subunit 2; minus strand). Cytogenetic location: 9q22.33.
Variant type: single nucleotide variant.
Coding change: c.166C>A on transcript NM_005458.8 (MANE Select); coding-DNA position 166, C replaced by A.
Protein change: p.Leu56Ile; replaces leucine 56 with isoleucine.
Molecular consequence: missense variant.
Genome position (GRCh38, 1-based): chr9:98,708,572, G>T on the plus strand (C>A on the coding strand, the complement: GABBR2 is on the minus strand). VCF-style: chr9-98708572-G-T. GRCh37 (hg19) VCF-style: chr9-101470854-G-T.
Other names: short protein forms L56I.
Identifiers: ClinVar variation 948605 (VCV000948605.11), dbSNP rs1830933309, ClinGen allele CA374212717.

ClinVar aggregate classification (germline): Conflicting classifications of pathogenicity. Review status: criteria provided, conflicting classifications (1 of 4 stars). 2 submissions from 2 submitters: Uncertain significance (1); Likely benign (1). Last evaluated 2024-12-22.

Conditions:
Epileptic encephalopathy. Identifiers: MedGen C0543888, HP:0200134.

Submissions (2):

Labcorp Genetics (formerly Invitae), Labcorp
Classification: Uncertain significance for Epileptic encephalopathy. Last evaluated: 2024-12-22. Review status: criteria provided, single submitter. Criteria: Invitae Variant Classification Sherloc (09022015). Collection method: clinical testing. Allele origin: germline.
Comment: This sequence change replaces leucine, which is neutral and non-polar, with isoleucine, which is neutral and non-polar, at codon 56 of the GABBR2 protein (p.Leu56Ile). This variant is not present in population databases (gnomAD no frequency). This variant has not been reported in the literature in individuals affected with GABBR2-related conditions. ClinVar contains an entry for this variant (Variation ID: 948605). Invitae Evidence Modeling of protein sequence and biophysical properties (such as structural, functional, and spatial information, amino acid conservation, physicochemical variation, residue mobility, and thermodynamic stability) indicates that this missense variant is not expected to disrupt GABBR2 protein function with a negative predictive value of 80%. In summary, the available evidence is currently insufficient to determine the role of this variant in disease. Therefore, it has been classified as a Variant of Uncertain Significance.

GeneDx
Classification: Likely benign. Last evaluated: 2023-11-02. Review status: criteria provided, single submitter. Criteria: GeneDx Variant Classification Process June 2021. Collection method: clinical testing. Allele origin: germline.
Comment: See Variant Classification Assertion Criteria.